The following is an entry in ClinVar:

ClinVar aggregate classification (germline): Likely pathogenic (1 of 4 stars; one submission).

Conditions:
Primary ciliary dyskinesia. Also called: Ciliary dyskinesia. Identifiers: Orphanet 244, MedGen C0008780, MONDO:0016575, HP:0012265.

Submission:

Department of Human Genetics, Hannover Medical School
Classification: Likely pathogenic for Primary Ciliary Dyskinesia. Last evaluated: 2026-04-01. Review status: criteria provided, single submitter. Criteria: ACMG Guidelines, 2015. Collection method: research. Allele origin: germline. Affected: no.
Comment: Classification performed by HerediClassify using the following criteria:['PM2_supporting: Variant occures does not occur as homozygous in gnomAD.', 'PVS1_protein_very_strong: Transcript ENST00000413369 is predicted to undergo NMD.']

NM_001271049.2(CFAP221):c.2075_2076del (p.Lys692fs)

Gene: CFAP221 (cilia and flagella associated protein 221; plus strand). Cytogenetic location: 2q14.2.
Variant type: Deletion.
Coding change: c.2075_2076del on transcript NM_001271049.2 (MANE Select); coding-DNA positions 2075 to 2076, 2 bases deleted (AA; older notation c.2075_2076delAA).
Protein change: p.Lys692fs; shifts the reading frame from lysine 692.
Molecular consequence: frameshift variant. On other transcripts: non-coding transcript variant (1).
Genome position (GRCh38, 1-based): chr2:119,638,359-119,638,360, AA deleted; deleting any 2 consecutive bases within chr2:119,638,358-119,638,360 gives the same sequence; the c. name uses the placement nearest the transcript's 3' end. VCF-style (leftmost placement, unchanged base first): chr2-119638357-CAA-C. GRCh37 (hg19) VCF-style: chr2-120395933-CAA-C.
Other names: short protein forms K692fs.
Identifiers: ClinVar variation 4880161 (VCV004880161.1).